The following is an entry in ClinVar:

ClinVar aggregate classification (germline): Uncertain significance. Review status: criteria provided, multiple submitters, no conflicts (2 of 4 stars). 6 submissions from 6 submitters: Uncertain significance (5). 1 of the submissions does not count toward it. Last evaluated 2026-01-29.

Conditions:
Retinitis pigmentosa 39 (RP39). Identifiers: Orphanet 791, MedGen C3151138, MONDO:0013436, OMIM 613809.
Usher syndrome type 2A. Also called: USHER SYNDROME, TYPE IIA; RETINAL DISEASE IN USHER SYNDROME TYPE IIA, MODIFIER OF. Identifiers: Orphanet 231178, Orphanet 886, MedGen C1848634, MONDO:0010169, OMIM 276901.
USH2A-related disorder. Also called: USH2A-related condition; USH2A-related disorders. Identifiers: MedGen CN239332.

Allele frequency attached by ClinVar (database versions not stated): ExAC 0.00003; gnomAD exomes 0.00004; ESP Exome Variant Server 0.00008; gnomAD 0.00009 and 0.00011; TOPMed 0.00014.
gnomAD v4.1: 34 of 1,613,706 alleles (0.0021%); highest among the groups gnomAD compares: African/African-American, 0.032%; no homozygotes.

Submissions (6):

Dasa
Classification: Uncertain significance for Retinitis pigmentosa 39. Last evaluated: 2026-01-29. Review status: criteria provided, single submitter. Criteria: DASA Assertion Criteria. Collection method: clinical testing. Allele origin: germline.
Comment: NM_206933.4(USH2A):c.8179G>T (p.Val2727Leu) is a missense variant that results in the substitution of valine with leucine. This variant has been observed in affected individuals with USH2A-related disorders. Also, this variant is rare in population databases. The currently available literature and clinical evidence are not sufficient to establish a definitive association between this variant and the reported condition. Therefore, this variant is classified as a variant of uncertain significance.

GeneDx
Classification: Uncertain significance. Last evaluated: 2026-01-23. Review status: criteria provided, single submitter. Criteria: GeneDx Variant Classification Process June 2021. Collection method: clinical testing. Allele origin: germline.
Comment: Reported along with two other variants in the USH2A gene in a patient with retinitis pigmentosa in the published literature; however, information on phase and specific clinical details were not provided (PMID: 30902645); In silico analysis suggests that this missense variant does not alter protein structure/function; This variant is associated with the following publications: (PMID: 30902645)

PreventionGenetics, part of Exact Sciences
Classification: Uncertain significance for USH2A-related condition. Last evaluated: 2025-10-09. Review status: criteria provided, single submitter. Criteria: ACMG Guidelines, 2015. Collection method: clinical testing. Allele origin: germline.
Comment: The USH2A c.8179G>T variant is predicted to result in the amino acid substitution p.Val2727Leu. This variant has been reported in an individual with retinitis pigmentosa (Table S2, Martin-Merida et al. 2019. PubMed ID: 30902645). This variant is reported in 0.044% of alleles in individuals of African descent in gnomAD. At this time, the clinical significance of this variant is uncertain due to the absence of conclusive functional and genetic evidence.

Labcorp Genetics (formerly Invitae), Labcorp
Classification: Uncertain significance. Last evaluated: 2025-01-11. Review status: criteria provided, single submitter. Criteria: Invitae Variant Classification Sherloc (09022015). Collection method: clinical testing. Allele origin: germline.
Comment: This sequence change replaces valine, which is neutral and non-polar, with leucine, which is neutral and non-polar, at codon 2727 of the USH2A protein (p.Val2727Leu). This variant is present in population databases (rs145399306, gnomAD 0.04%). This missense change has been observed in individual(s) with clinical features of retinitis pigmentosa (PMID: 30902645; internal data). In at least one individual the data is consistent with being in trans (on the opposite chromosome) from a pathogenic variant. ClinVar contains an entry for this variant (Variation ID: 855741). Invitae Evidence Modeling of protein sequence and biophysical properties (such as structural, functional, and spatial information, amino acid conservation, physicochemical variation, residue mobility, and thermodynamic stability) indicates that this missense variant is not expected to disrupt USH2A protein function with a negative predictive value of 95%. In summary, the available evidence is currently insufficient to determine the role of this variant in disease. Therefore, it has been classified as a Variant of Uncertain Significance.

Blueprint Genetics
Classification: Uncertain significance. Last evaluated: 2022-04-25. Review status: criteria provided, single submitter. Criteria: ACMG Guidelines, 2015. Collection method: clinical testing. Allele origin: germline.

Natera, Inc.
Classification: Uncertain significance for Usher syndrome type 2A. Last evaluated: 2020-01-24. Review status: no assertion criteria provided. Collection method: clinical testing. Allele origin: germline. Not counted in ClinVar's aggregate classification.

Literature cited by the submitters: PubMed 30902645 (cited by Labcorp Genetics (formerly Invitae), Labcorp).

NM_206933.4(USH2A):c.8179G>T (p.Val2727Leu)

Gene: USH2A (usherin; minus strand). Cytogenetic location: 1q41.
Variant type: single nucleotide variant.
Coding change: c.8179G>T on transcript NM_206933.4 (MANE Select); coding-DNA position 8179, G replaced by T.
Protein change: p.Val2727Leu; replaces valine 2727 with leucine.
Molecular consequence: missense variant.
Genome position (GRCh38, 1-based): chr1:215,888,470, C>A on the plus strand (G>T on the coding strand, the complement: USH2A is on the minus strand). VCF-style: chr1-215888470-C-A. GRCh37 (hg19) VCF-style: chr1-216061812-C-A.
Other names: short protein forms V2727L.
Identifiers: ClinVar variation 855741 (VCV000855741.9), dbSNP rs145399306, ClinGen allele CA1394669.